The following is an entry in ClinVar:

NM_006348.5(COG5):c.1686G>A (p.Lys562=)

Genes: COG5 (component of oligomeric golgi complex 5; minus strand), LOC129389837 (MPRA-validated peak6677 silencer; plus strand). Cytogenetic location: 7q22.3.
Variant type: single nucleotide variant.
Coding change: c.1686G>A on transcript NM_006348.5 (MANE Select); coding-DNA position 1686, G replaced by A.
Protein change: p.Lys562=; no amino-acid change (lysine 562 retained).
Molecular consequence: synonymous variant. On other transcripts: intron variant (1).
Genome position (GRCh38, 1-based): chr7:107,258,273, C>T on the plus strand (G>A on the coding strand, the complement: COG5 is on the minus strand). VCF-style: chr7-107258273-C-T. GRCh37 (hg19) VCF-style: chr7-106898718-C-T.
Other names: c.1686G>A, p.Lys562= (NM_001161520.2, NM_001379513.1, NM_001379514.1 and 1 more transcripts); c.1524G>A, p.Lys508= (NM_001379511.1); c.1116G>A, p.Lys372= (NM_001379515.1); c.972G>A, p.Lys324= (NM_001379516.1); c.1576-9774G>A (NM_001379512.1).
Identifiers: ClinVar variation 2200281 (VCV002200281.1), dbSNP rs1803035678, ClinGen allele CA457183524.

ClinVar aggregate classification (germline): Uncertain significance (1 of 4 stars; one submission).

Conditions:
COG5-congenital disorder of glycosylation. Also called: CDG IIi; COG5-CDG; CONGENITAL DISORDER OF GLYCOSYLATION, TYPE IIi. Identifiers: Orphanet 263487, MedGen C3150876, MONDO:0013325, OMIM 613612.

Allele frequency attached by ClinVar (database versions not stated): gnomAD exomes below 0.00001.
gnomAD v4.1: 1 of 1,573,790 alleles (0.000064%); highest among the groups gnomAD compares: Non-Finnish European, 0.000087%; no homozygotes.

Submission:

Labcorp Genetics (formerly Invitae), Labcorp
Classification: Uncertain significance for COG5-congenital disorder of glycosylation. Last evaluated: 2022-07-02. Review status: criteria provided, single submitter. Criteria: Invitae Variant Classification Sherloc (09022015). Collection method: clinical testing. Allele origin: germline.
Comment: This sequence change affects codon 593 of the COG5 mRNA. It is a 'silent' change, meaning that it does not change the encoded amino acid sequence of the COG5 protein. This variant also falls at the last nucleotide of exon 15, which is part of the consensus splice site for this exon. This variant is not present in population databases (gnomAD no frequency). This variant has not been reported in the literature in individuals affected with COG5-related conditions. Variants that disrupt the consensus splice site are a relatively common cause of aberrant splicing (PMID: 17576681, 9536098). Algorithms developed to predict the effect of sequence changes on RNA splicing suggest that this variant may disrupt the consensus splice site. In summary, the available evidence is currently insufficient to determine the role of this variant in disease. Therefore, it has been classified as a Variant of Uncertain Significance.

Literature cited by the submitters: PubMed 17576681; PubMed 9536098.